The following is an entry in ClinVar:

NM_005982.4(SIX1):c.328C>T (p.Arg110Trp)

Gene: SIX1 (SIX homeobox 1; minus strand). Cytogenetic location: 14q23.1.
Variant type: single nucleotide variant.
Coding change: c.328C>T on transcript NM_005982.4 (MANE Select); coding-DNA position 328, C replaced by T.
Protein change: p.Arg110Trp; replaces arginine 110 with tryptophan.
Molecular consequence: missense variant.
Genome position (GRCh38, 1-based): chr14:60,648,862, G>A on the plus strand (C>T on the coding strand, the complement: SIX1 is on the minus strand). VCF-style: chr14-60648862-G-A. GRCh37 (hg19) VCF-style: chr14-61115580-G-A.
Other names: short protein forms R110W.
Identifiers: ClinVar variation 8309 (VCV000008309.39), dbSNP rs80356459, ClinGen allele CA340772.

ClinVar aggregate classification (germline): Pathogenic. Review status: criteria provided, multiple submitters, no conflicts (2 of 4 stars). 4 submissions from 4 submitters: Pathogenic (2). 2 of the submissions do not count toward it. Last evaluated 2024-12-18.

Conditions:
Branchiootic syndrome 3 (BOS3). Also called: BO SYNDROME 3. Identifiers: MedGen C1842124, MONDO:0012025, OMIM 608389.
Autosomal dominant nonsyndromic hearing loss 23. Identifiers: Orphanet 90635, MedGen C1854594, MONDO:0011519, OMIM 605192.

Submissions (4):

Labcorp Genetics (formerly Invitae), Labcorp
Classification: Pathogenic for Autosomal dominant nonsyndromic hearing loss 23; Branchiootic syndrome 3. Last evaluated: 2024-12-18. Review status: criteria provided, single submitter. Criteria: Invitae Variant Classification Sherloc (09022015). Collection method: clinical testing. Allele origin: germline.
Comment: This sequence change replaces arginine, which is basic and polar, with tryptophan, which is neutral and slightly polar, at codon 110 of the SIX1 protein (p.Arg110Trp). This variant is not present in population databases (gnomAD no frequency). This missense change has been observed in individuals with clinical features of SIX1-related conditions (PMID: 15141091, 24164807; internal data). It has also been observed to segregate with disease in related individuals. ClinVar contains an entry for this variant (Variation ID: 8309). Invitae Evidence Modeling of protein sequence and biophysical properties (such as structural, functional, and spatial information, amino acid conservation, physicochemical variation, residue mobility, and thermodynamic stability) indicates that this missense variant is expected to disrupt SIX1 protein function with a positive predictive value of 80%. Experimental studies have shown that this missense change affects SIX1 function (PMID: 15141091, 19497856, 31980437). This variant disrupts the p.Arg110 amino acid residue in SIX1. Other variant(s) that disrupt this residue have been determined to be pathogenic (internal data). This suggests that this residue is clinically significant, and that variants that disrupt this residue are likely to be disease-causing. For these reasons, this variant has been classified as Pathogenic.

CeGaT Center for Human Genetics Tuebingen
Classification: Pathogenic. Last evaluated: 2022-06-01. Review status: criteria provided, single submitter. Criteria: CeGaT Center For Human Genetics Tuebingen Variant Classification Criteria Version 2. Collection method: clinical testing. Allele origin: germline. Affected: yes. Observed: 1 variant allele.
Comment: SIX1: PS1, PM2, PS3:Moderate, PP3, PS4:Supporting

OMIM
Classification: Pathogenic for BRANCHIOOTIC SYNDROME 3. Last evaluated: 2004-05-25. Review status: no assertion criteria provided. Collection method: literature only. Allele origin: germline. Not counted in ClinVar's aggregate classification.

GeneReviews
No classification provided. Condition: Branchiootic syndrome 3. Review status: no classification provided. Collection method: literature only. Allele origin: germline. Not counted in ClinVar's aggregate classification.

Literature cited by the submitters: PubMed 15141091 (cited by 3 submitters); PubMed 24164807 (cited by Labcorp Genetics (formerly Invitae), Labcorp); PubMed 19497856 (cited by Labcorp Genetics (formerly Invitae), Labcorp); PubMed 31980437 (cited by Labcorp Genetics (formerly Invitae), Labcorp).